The following is an entry in ClinVar:

NM_032634.4(PIGO):c.2707T>G (p.Phe903Val)

Gene: PIGO (phosphatidylinositol glycan anchor biosynthesis class O; minus strand). Cytogenetic location: 9p13.3.
Variant type: single nucleotide variant.
Coding change: c.2707T>G on transcript NM_032634.4 (MANE Select); coding-DNA position 2707, T replaced by G.
Protein change: p.Phe903Val; replaces phenylalanine 903 with valine.
Molecular consequence: missense variant.
Genome position (GRCh38, 1-based): chr9:35,090,613, A>C on the plus strand (T>G on the coding strand, the complement: PIGO is on the minus strand). VCF-style: chr9-35090613-A-C. GRCh37 (hg19) VCF-style: chr9-35090610-A-C.
Other names: c.1456T>G, p.Phe486Val (NM_001201484.2, NM_152850.4); short protein forms F486V, F903V.
Identifiers: ClinVar variation 1334042 (VCV001334042.7), dbSNP rs1009399563, ClinGen allele CA373318350.
Genomic context (GRCh38, chr9:35,090,613, plus strand): 5'-CCACGAAGGCTGCATGCCAATGGATGGCTGGAAAGACAGGCTGGTGGCCTGTGGAGTAGA[A>C]GGTCTGTGTGGCCATGAGGGCCCAAGCCGAGACTGCCTGCCATGGCACAGTAAAAGGACC-3'
Protein context (NP_116023.2, residues 893-913): SAWALMATQT[Phe903Val]YSTGHQPVFP

ClinVar aggregate classification (germline): Uncertain significance. Review status: criteria provided, multiple submitters, no conflicts (2 of 4 stars). 2 submissions from 2 submitters: Uncertain significance (2). Last evaluated 2021-04-26.

Conditions:
Hyperphosphatasia with impaired intellectual development syndrome 2. Also called: Hyperphosphatasia with intellectual disability syndrome 2; GLYCOSYLPHOSPHATIDYLINOSITOL BIOSYNTHESIS DEFECT 6. Identifiers: Orphanet 247262, MedGen C3553637, MONDO:0013882, OMIM 614749.

Submissions (2):

Labcorp Genetics (formerly Invitae), Labcorp
Classification: Uncertain significance for Hyperphosphatasia with impaired intellectual development syndrome 2. Last evaluated: 2021-04-26. Review status: criteria provided, single submitter. Criteria: Invitae Variant Classification Sherloc (09022015). Collection method: clinical testing. Allele origin: germline.
Comment: In summary, the available evidence is currently insufficient to determine the role of this variant in disease. Therefore, it has been classified as a Variant of Uncertain Significance. Algorithms developed to predict the effect of missense changes on protein structure and function are either unavailable or do not agree on the potential impact of this missense change (SIFT: "Deleterious"; PolyPhen-2: "Probably Damaging"; Align-GVGD: "Class C0"). This variant has been observed in individual(s) with clinical features of PIGO-congenital disorder of glycosylation (Invitae). ClinVar contains an entry for this variant (Variation ID: 430076). This variant is not present in population databases (ExAC no frequency). This sequence change replaces phenylalanine with valine at codon 903 of the PIGO protein (p.Phe903Val). The phenylalanine residue is highly conserved and there is a small physicochemical difference between phenylalanine and valine.

CENTOGENE GmbH and LLC - Guiding Precision Medicine
Classification: Uncertain significance for Hyperphosphatasia with impaired intellectual development syndrome 2. Last evaluated: 2019-04-24. Review status: criteria provided, single submitter. Criteria: ACMG Guidelines, 2015. Collection method: clinical testing. Allele origin: germline. Affected: yes.